The following is an entry in ClinVar:

ClinVar aggregate classification (germline): Uncertain significance. Review status: criteria provided, multiple submitters, no conflicts (2 of 4 stars). 3 submissions from 3 submitters: Uncertain significance (3). Last evaluated 2025-09-05.

Conditions:
Malignant hyperthermia, susceptibility to, 1 (MHS1). Also called: Anesthesia related hyperthermia; Malignant hyperpyrexia; Fulminating hyperpyrexia; Pharmacogenic myopathy; Malignant hyperthermia suceptibility 1; RYR1-Related Malignant Hyperthermia Susceptibility. Identifiers: Orphanet 423, MedGen C2930980, MONDO:0007783, OMIM 145600.
RYR1-related disorder. Also called: RYR1-related disorders; RYR1-related condition. Identifiers: MedGen CN239331.

gnomAD v4.1: 3 of 1,611,234 alleles (0.00019%); highest among the groups gnomAD compares: African/African-American, 0.004%; no homozygotes.

Submissions (3):

Color Diagnostics, LLC DBA Color Health
Classification: Uncertain significance for Malignant hyperthermia, susceptibility to, 1. Last evaluated: 2025-09-05. Review status: criteria provided, single submitter. Criteria: ACMG Guidelines, 2015. Collection method: clinical testing. Allele origin: germline.
Comment: This missense variant replaces alanine with glutamic acid at codon 1681 of the RYR1 protein. Computational prediction suggests that this variant may have deleterious impact on protein structure and function. To our knowledge, functional studies have not been reported for this variant. This variant has not been reported in individuals affected with RYR1-related disorders in the literature. This variant has been identified in 1/31360 chromosomes in the general population by the Genome Aggregation Database (gnomAD). The available evidence is insufficient to determine the role of this variant in disease conclusively. Therefore, this variant is classified as a Variant of Uncertain Significance.

Labcorp Genetics (formerly Invitae), Labcorp
Classification: Uncertain significance for RYR1-related disorder. Last evaluated: 2023-06-18. Review status: criteria provided, single submitter. Criteria: Invitae Variant Classification Sherloc (09022015). Collection method: clinical testing. Allele origin: germline.
Comment: This sequence change replaces alanine, which is neutral and non-polar, with glutamic acid, which is acidic and polar, at codon 1681 of the RYR1 protein (p.Ala1681Glu). In summary, the available evidence is currently insufficient to determine the role of this variant in disease. Therefore, it has been classified as a Variant of Uncertain Significance. Advanced modeling of protein sequence and biophysical properties (such as structural, functional, and spatial information, amino acid conservation, physicochemical variation, residue mobility, and thermodynamic stability) performed at Invitae indicates that this missense variant is expected to disrupt RYR1 protein function. ClinVar contains an entry for this variant (Variation ID: 2435558). This variant has not been reported in the literature in individuals affected with RYR1-related conditions. This variant is present in population databases (no rsID available, gnomAD 0.01%).

Revvity Omics, Revvity
Classification: Uncertain significance. Last evaluated: 2019-12-17. Review status: criteria provided, single submitter. Criteria: ACMG Guidelines, 2015. Collection method: clinical testing. Allele origin: germline.

NM_000540.3(RYR1):c.5042C>A (p.Ala1681Glu)

Gene: RYR1 (ryanodine receptor 1; plus strand). Cytogenetic location: 19q13.2.
Variant type: single nucleotide variant.
Coding change: c.5042C>A on transcript NM_000540.3 (MANE Select); coding-DNA position 5042, C replaced by A.
Protein change: p.Ala1681Glu; replaces alanine 1681 with glutamic acid.
Molecular consequence: missense variant.
Genome position (GRCh38, 1-based): chr19:38,485,697, C>A. VCF-style: chr19-38485697-C-A. GRCh37 (hg19) VCF-style: chr19-38976337-C-A.
Other names: c.5042C>A, p.Ala1681Glu (NM_001042723.2); short protein forms A1681E.
Identifiers: ClinVar variation 2435558 (VCV002435558.7), dbSNP rs1032892846, ClinGen allele CA308092960.
Genomic context (GRCh38, chr19:38,485,697, plus strand): 5'-TCCACTCGCACACCCTGCGCCTCTACCGCGCTGTGTGCGCCCTGGGCAACAATCGCGTGG[C>A]GCACGCTCTGTGCAGCCACGTAGACCAAGCTCAGCTGCTGCACGCCCTGGAGGACGCGCA-3'
Protein context (NP_000531.2, residues 1671-1691): AVCALGNNRV[Ala1681Glu]HALCSHVDQA